The following is an entry in ClinVar:

ClinVar aggregate classification (germline): Pathogenic. Review status: criteria provided, multiple submitters, no conflicts (2 of 4 stars). 2 submissions from 2 submitters: Pathogenic (2). Last evaluated 2024-02-19.

Conditions:
Osteogenesis imperfecta type I (OI1). Also called: OI, TYPE I; OSTEOGENESIS IMPERFECTA TARDA; OSTEOGENESIS IMPERFECTA WITH BLUE SCLERAE; Osteogenesis imperfecta type 1; Lobstein's Disease; Lobstein disease. Identifiers: Orphanet 216796, Orphanet 666, MedGen C0023931, MONDO:0008146, OMIM 166200. Disease mechanism: loss of function.
COL1A1-related disorder. Also called: COL1A1-related condition; COL1A1- related disease.

Submissions (2):

Blueprint Genetics
Classification: Pathogenic for COL1A1-related disorders. Last evaluated: 2024-02-19. Review status: criteria provided, single submitter. Criteria: ACMG Guidelines, 2015. Collection method: clinical testing. Allele origin: germline. Affected: yes. Observed: 2 variant alleles.

Labcorp Genetics (formerly Invitae), Labcorp
Classification: Pathogenic for Osteogenesis imperfecta type I. Last evaluated: 2021-01-29. Review status: criteria provided, single submitter. Criteria: Invitae Variant Classification Sherloc (09022015). Collection method: clinical testing. Allele origin: germline.
Comment: This variant is not present in population databases (ExAC no frequency). This sequence change falls in intron 6 of the COL1A1 gene. It does not directly change the encoded amino acid sequence of the COL1A1 protein. It affects a nucleotide within the consensus splice site of the intron. This variant has been observed in several individuals affected with osteogenesis imperfecta (PMID: 25963598, 31414283, Invitae). ClinVar contains an entry for this variant (Variation ID: 850256). For these reasons, this variant has been classified as Pathogenic. Nucleotide substitutions within the consensus splice site are a relatively common cause of aberrant splicing (PMID: 17576681, 9536098). Algorithms developed to predict the effect of sequence changes on RNA splicing suggest that this variant may disrupt the consensus splice site, but this prediction has not been confirmed by published transcriptional studies.

Literature cited by the submitters: PubMed 25963598 (cited by Labcorp Genetics (formerly Invitae), Labcorp); PubMed 31414283 (cited by Labcorp Genetics (formerly Invitae), Labcorp); PubMed 17576681 (cited by Labcorp Genetics (formerly Invitae), Labcorp); PubMed 9536098 (cited by Labcorp Genetics (formerly Invitae), Labcorp).

NM_000088.4(COL1A1):c.543+5G>A

Gene: COL1A1 (collagen type I alpha 1 chain; minus strand). Cytogenetic location: 17q21.33.
Variant type: single nucleotide variant.
Coding change: c.543+5G>A on transcript NM_000088.4 (MANE Select); 5 bases into the intron after coding-DNA position 543, G replaced by A.
Molecular consequence: intron variant.
Genome position (GRCh38, 1-based): chr17:50,198,428, C>T on the plus strand (G>A on the coding strand, the complement: COL1A1 is on the minus strand). VCF-style: chr17-50198428-C-T. GRCh37 (hg19) VCF-style: chr17-48275789-C-T.
Identifiers: ClinVar variation 850256 (VCV000850256.11), dbSNP rs1907787005, ClinGen allele CA916081213.